The following is an entry in ClinVar:

NM_004425.4(ECM1):c.742G>T (p.Glu248Ter)

Gene: ECM1 (extracellular matrix protein 1; plus strand). Cytogenetic location: 1q21.2.
Variant type: single nucleotide variant.
Coding change: c.742G>T on transcript NM_004425.4 (MANE Select); coding-DNA position 742, G replaced by T.
Protein change: p.Glu248Ter; replaces glutamic acid 248 with a stop codon.
Molecular consequence: nonsense. On other transcripts: intron variant (1).
Genome position (GRCh38, 1-based): chr1:150,511,490, G>T. VCF-style: chr1-150511490-G-T. GRCh37 (hg19) VCF-style: chr1-150483966-G-T.
Other names: c.823G>T, p.Glu275Ter (NM_001202858.2); c.708+292G>T (NM_022664.3); short protein forms E248*, E275*.
Identifiers: ClinVar variation 1184441 (VCV001184441.4), dbSNP rs369508778, ClinGen allele CA342333524.
Genomic context (GRCh38, chr1:150,511,490, plus strand): 5'-TGGGCTGATCCTCCCCTCTTGCTCTAGTGGGAGGAAGCAATGAGCCGATTCTGTGAGGCC[G>T]AGTTCTCGGTCAAGACCCGACCCCACTGGTGCTGCACGCGGCAGGGGGAGGCTCGGTTCT-3'

ClinVar aggregate classification (germline): Uncertain significance. Review status: no assertion criteria provided (0 of 4 stars). 2 submissions from 2 submitters: Uncertain significance (1). 1 of the submissions does not count toward it.

Conditions:
Lipid proteinosis. Also called: HYALINOSIS CUTIS ET MUCOSAE; Lipoid Proteinosis of Urbach and Wiethe; Urbach Wiethe disease; lipoid proteinosis. Identifiers: Orphanet 530, MedGen C0023795, MONDO:0009530, OMIM 247100.
Autism (AUTS). Also called: Autistic disorder; Autistic disorder of childhood onset. Identifiers: MedGen C0004352, MeSH D001321, MONDO:0005260, OMIM 209850, HP:0000717.

gnomAD v4.1: 5 of 1,614,124 alleles (0.00031%); highest among the groups gnomAD compares: South Asian, 0.0044%; no homozygotes.

Submissions (2):

Centre for Addiction & Mental Health
Classification: Uncertain significance for Autism. Review status: no assertion criteria provided. Collection method: research. Allele origin: de novo. Affected: yes. Observed: 1 heterozygote. Segregation with disease not observed.
Comment: Gene not previously associated with disease; independent supporting evidence needed

GeneReviews
No classification provided. Condition: Lipid proteinosis. Review status: no classification provided. Collection method: literature only. Allele origin: germline. Not counted in ClinVar's aggregate classification.
Comment: In Pakistani families [Nasir et al 2014]

Literature cited by the submitters: PubMed 24413997 (cited by GeneReviews); PubMed 26803878 (cited by GeneReviews).